The following is an entry in ClinVar:

ClinVar aggregate classification (germline): Benign. Review status: criteria provided, multiple submitters, no conflicts (2 of 4 stars). 6 submissions from 6 submitters: Benign (3). 3 of the submissions do not count toward it. Last evaluated 2021-10-25.

Conditions:
Intellectual developmental disorder, autosomal recessive 1. Also called: MENTAL RETARDATION, AUTOSOMAL RECESSIVE 1; Intellectual disability, autosomal recessive 1. Identifiers: Orphanet 88616, MedGen C1855304, MONDO:0009580, OMIM 249500.

Allele frequency attached by ClinVar (database versions not stated): ESP Exome Variant Server 0.52391; TOPMed 0.52834; gnomAD 0.53313 and 0.53714; 1000 Genomes Project 30x 0.53873; 1000 Genomes Project 0.54533; ExAC 0.55467; gnomAD exomes 0.55500.
gnomAD v4.1: 888,485 of 1,613,372 alleles (55%); highest among the groups gnomAD compares: East Asian, 60%; 246,163 homozygotes.

Submissions (6):

Genome-Nilou Lab
Classification: Benign for Intellectual developmental disorder, autosomal recessive 1. Last evaluated: 2021-10-25. Review status: criteria provided, single submitter. Criteria: ACMG Guidelines, 2015. Collection method: clinical testing. Allele origin: germline. Affected: no.

Illumina Laboratory Services, Illumina
Classification: Benign for Intellectual developmental disorder, autosomal recessive 1. Last evaluated: 2018-01-12. Review status: criteria provided, single submitter. Criteria: ICSL Variant Classification Criteria 13 December 2019. Collection method: clinical testing. Allele origin: germline.
Comment: This variant was observed in the ICSL laboratory as part of a predisposition screen in an ostensibly healthy population. It had not been previously curated by ICSL or reported in the Human Gene Mutation Database (HGMD: prior to June 1st, 2018), and was therefore a candidate for classification through an automated scoring system. Utilizing variant allele frequency, disease prevalence and penetrance estimates, and inheritance mode, an automated score was calculated to assess if this variant is too frequent to cause the disease. Based on the score and internal cut-off values, a variant classified as benign is not then subjected to further curation. The score for this variant resulted in a classification of benign for this disease.

Breakthrough Genomics
Classification: Benign. Review status: criteria provided, single submitter. Criteria: ACMG Guidelines, 2015. Collection method: not provided. Allele origin: germline. Inheritance: Autosomal recessive inheritance. Affected: yes.

Diagnostic Laboratory, Department of Genetics, University Medical Center Groningen
Classification: Benign. Review status: no assertion criteria provided. Collection method: clinical testing. Allele origin: germline. Affected: yes. Study: VKGL Data-share Consensus. Not counted in ClinVar's aggregate classification.

Genetic Services Laboratory, University of Chicago
Classification: Likely benign for AllHighlyPenetrant. Review status: no assertion criteria provided. Collection method: clinical testing. Allele origin: germline. Inheritance: Autosomal recessive inheritance. Not counted in ClinVar's aggregate classification.
Comment: Likely benign based on allele frequency in 1000 Genomes Project or ESP global frequency and its presence in a patient with a rare or unrelated disease phenotype. NOT Sanger confirmed.

Joint Genome Diagnostic Labs from Nijmegen and Maastricht, Radboudumc and MUMC+
Classification: Benign. Review status: no assertion criteria provided. Collection method: clinical testing. Allele origin: germline. Affected: yes. Study: VKGL Data-share Consensus. Not counted in ClinVar's aggregate classification.

NM_003619.4(PRSS12):c.1281A>G (p.Gln427=)

Gene: PRSS12 (serine protease 12; minus strand). Cytogenetic location: 4q26.
Variant type: single nucleotide variant.
Coding change: c.1281A>G on transcript NM_003619.4 (MANE Select); coding-DNA position 1281, A replaced by G.
Protein change: p.Gln427=; no amino-acid change (glutamine 427 retained).
Molecular consequence: synonymous variant.
Genome position (GRCh38, 1-based): chr4:118,316,193, T>C on the plus strand (A>G on the coding strand, the complement: PRSS12 is on the minus strand). VCF-style: chr4-118316193-T-C. GRCh37 (hg19) VCF-style: chr4-119237348-T-C.
Identifiers: ClinVar variation 130041 (VCV000130041.17), dbSNP rs2292597, ClinGen allele CA154787.